The following is an entry in ClinVar:

NM_001353788.2(APBA2):c.261C>T (p.Asp87=)

Gene: APBA2 (amyloid beta precursor protein binding family A member 2; plus strand). Cytogenetic location: 15q13.1.
Variant type: single nucleotide variant.
Coding change: c.261C>T on transcript NM_001353788.2 (MANE Select); coding-DNA position 261, C replaced by T.
Protein change: p.Asp87=; no amino-acid change (aspartic acid 87 retained).
Molecular consequence: synonymous variant.
Genome position (GRCh38, 1-based): chr15:29,054,145, C>T. VCF-style: chr15-29054145-C-T. GRCh37 (hg19) VCF-style: chr15-29346348-C-T.
Other names: c.261C>T, p.Asp87= (NM_001130414.1, NM_001353789.2, NM_001353790.2 and 6 more transcripts).
Identifiers: ClinVar variation 790686 (VCV000790686.7), dbSNP rs112965425, ClinGen allele CA7445062.

ClinVar aggregate classification (germline): Benign. Review status: criteria provided, multiple submitters, no conflicts (2 of 4 stars). 3 submissions from 3 submitters: Benign (2). 1 of the submissions does not count toward it. Last evaluated 2019-12-31.

Conditions:
APBA2-related disorder. Also called: APBA2-related condition.

Allele frequency attached by ClinVar (database versions not stated): gnomAD exomes 0.00115 and 0.00285; ExAC 0.00354; gnomAD 0.01170 and 0.01254; 1000 Genomes Project 30x 0.01249; 1000 Genomes Project 0.01298; TOPMed 0.01304; ESP Exome Variant Server 0.01338.
gnomAD v4.1: 3,528 of 1,614,188 alleles (0.22%); highest among the groups gnomAD compares: African/African-American, 4.2%; 77 homozygotes.

Submissions (3):

Labcorp Genetics (formerly Invitae), Labcorp
Classification: Benign. Last evaluated: 2019-12-31. Review status: criteria provided, single submitter. Criteria: Invitae Variant Classification Sherloc (09022015). Collection method: clinical testing. Allele origin: germline.

Breakthrough Genomics
Classification: Benign. Review status: criteria provided, single submitter. Criteria: ACMG Guidelines, 2015. Collection method: not provided. Allele origin: germline. Inheritance: Unknown mechanism. Affected: yes.

PreventionGenetics, part of Exact Sciences
Classification: Benign for APBA2-related condition. Last evaluated: 2019-03-29. Review status: no assertion criteria provided. Collection method: clinical testing. Allele origin: germline. Not counted in ClinVar's aggregate classification.
Comment: This variant is classified as benign based on ACMG/AMP sequence variant interpretation guidelines (Richards et al. 2015 PMID: 25741868, with internal and published modifications).